The following is an entry in ClinVar:

NM_000777.5(CYP3A5):c.92dup (p.Leu32fs)

Genes: CYP3A5 (cytochrome P450 family 3 subfamily A member 5; minus strand), ZSCAN25 (zinc finger and SCAN domain containing 25; plus strand). Cytogenetic location: 7q22.1.
Variant type: Duplication.
Coding change: c.92dup on transcript NM_000777.5 (MANE Select); coding-DNA position 92, one base duplicated (G; older notation c.92dupG).
Protein change: p.Leu32fs; shifts the reading frame from leucine 32.
Molecular consequence: frameshift variant. On other transcripts: 5 prime UTR variant (1), non-coding transcript variant (1).
Genome position (GRCh38, 1-based): chr7:99,676,188, C duplicated on the plus strand (G on the coding strand, the reverse complement: CYP3A5 is on the minus strand); the first of 2 consecutive C bases (chr7:99,676,188-99,676,189); duplicating either gives the same sequence. VCF-style (leftmost placement, unchanged base first): chr7-99676187-T-TC. GRCh37 (hg19) VCF-style: chr7-99273810-T-TC.
Other names: c.92dupG (NM_000777.4); c.92dup, p.Leu32fs (NM_001190484.3); c.-380dup (NM_001291829.2); c.62dup, p.Leu22fs (NM_001291830.2); short protein forms L22fs, L32fs.
Identifiers: ClinVar variation 2657724 (VCV002657724.25), dbSNP rs28383469, ClinGen allele CA4368760.

ClinVar aggregate classification (germline): Likely benign. Review status: criteria provided, single submitter (1 of 4 stars). 2 submissions from 2 submitters: Likely benign (1). 1 of the submissions does not count toward it. Last evaluated 2023-02-01.

Conditions:
CYP3A5-related disorder. Also called: CYP3A5-related condition.

Submissions (2):

CeGaT Center for Human Genetics Tuebingen
Classification: Likely benign. Last evaluated: 2023-02-01. Review status: criteria provided, single submitter. Criteria: CeGaT Center For Human Genetics Tuebingen Variant Classification Criteria Version 2. Collection method: clinical testing. Allele origin: germline. Affected: yes. Observed: 2 variant alleles.
Comment: CYP3A5: BS2

PreventionGenetics, part of Exact Sciences
Classification: Likely benign for CYP3A5-related condition. Last evaluated: 2019-07-12. Review status: no assertion criteria provided. Collection method: clinical testing. Allele origin: germline. Not counted in ClinVar's aggregate classification.
Comment: This variant is classified as likely benign based on ACMG/AMP sequence variant interpretation guidelines (Richards et al. 2015 PMID: 25741868, with internal and published modifications).